The following is an entry in ClinVar:

NM_001267550.2(TTN):c.22273_22276del (p.Leu7425fs)

Gene: TTN (titin; minus strand). Cytogenetic location: 2q31.2.
Variant type: Deletion.
Coding change: c.22273_22276del on transcript NM_001267550.2 (MANE Select); coding-DNA positions 22273 to 22276, 4 bases deleted (TTAA; older notation c.22273_22276delTTAA).
Protein change: p.Leu7425fs; shifts the reading frame from leucine 7425.
Molecular consequence: frameshift variant. On other transcripts: intron variant (3).
Genome position (GRCh38, 1-based): chr2:178,722,511-178,722,514, TTAA deleted on the plus strand (TTAA on the coding strand, the reverse complement: TTN is on the minus strand); deleting any 4 consecutive bases within chr2:178,722,511-178,722,516 gives the same sequence; the c. name uses the placement nearest the transcript's 3' end. VCF-style (leftmost placement, unchanged base first): chr2-178722510-TTTAA-T. GRCh37 (hg19) VCF-style: chr2-179587237-TTTAA-T.
Other names: c.22273_22276delTTAA (NM_001267550.2); c.21322_21325del, p.Leu7108fs (NM_001256850.1); c.18541_18544del, p.Leu6181fs (NM_133378.4); c.13282+15568_13282+15571del (NM_003319.4); c.13858+15568_13858+15571del (NM_133437.4); c.13657+15568_13657+15571del (NM_133432.3); short protein forms L6181fs, L7108fs, L7425fs.
Identifiers: ClinVar variation 499312 (VCV000499312.18), dbSNP rs1553910811, ClinGen allele CA658796068.
Genomic context (GRCh38, chr2:178,722,510, plus strand): 5'-GCAGAGCCATTTAATCGACAAGTGAGTGTAACAGGTAACCCCACAGTTTGTTCAATGTCC[TTTAA>T]TTGTCTTGCAAAAGAAGGTGGGAGTTGGCGCTCTGTAGGGAGACATGTAATACTTAAGGT-3'

ClinVar aggregate classification (germline): Conflicting classifications of pathogenicity. Review status: criteria provided, conflicting classifications (1 of 4 stars). 2 submissions from 2 submitters: Likely pathogenic (1); Uncertain significance (1). Last evaluated 2024-10-28.

Conditions:
Dilated cardiomyopathy 1G (CMD1G). Identifiers: Orphanet 154, MedGen C1858763, MONDO:0011400, OMIM 604145.
Autosomal recessive limb-girdle muscular dystrophy type 2J (LGMDR10). Also called: MUSCULAR DYSTROPHY, LIMB-GIRDLE, AUTOSOMAL RECESSIVE 10; Limb-girdle muscular dystrophy, type 2J. Identifiers: Orphanet 140922, MedGen C1837342, MONDO:0012127, OMIM 608807.

Submissions (2):

Labcorp Genetics (formerly Invitae), Labcorp
Classification: Likely pathogenic for Dilated cardiomyopathy 1G; Autosomal recessive limb-girdle muscular dystrophy type 2J. Last evaluated: 2024-10-28. Review status: criteria provided, single submitter. Criteria: Invitae Variant Classification Sherloc (09022015). Collection method: clinical testing. Allele origin: germline.
Comment: This sequence change creates a premature translational stop signal (p.Leu7425Argfs*17) in the TTN gene. While this is not anticipated to result in nonsense mediated decay, it is expected to create a truncated TTN protein. This variant is not present in population databases (gnomAD no frequency). This premature translational stop signal has been observed in individual(s) with clinical features of autosomal recessive TTN-related conditions (internal data). ClinVar contains an entry for this variant (Variation ID: 499312). This variant is located in the I band of TTN (PMID: 25589632). Truncating variants in this region have been reported in individuals affected with autosomal recessive centronuclear myopathy (PMID: 23975875, internal data). Truncating variants in this region have also been identified in individuals affected with autosomal dominant dilated cardiomyopathy and/or cardio-related conditions (PMID: 27869827, 32964742, internal data). In summary, the currently available evidence indicates that the variant is pathogenic, but additional data are needed to prove that conclusively. Therefore, this variant has been classified as Likely Pathogenic.

Eurofins Ntd Llc (ga)
Classification: Uncertain significance. Last evaluated: 2017-01-13. Review status: criteria provided, single submitter. Criteria: EGL Classification Definitions 2015. Collection method: clinical testing. Allele origin: germline. Observed: 1 variant allele, 1 heterozygote.

Literature cited by the submitters: PubMed 25589632 (cited by Labcorp Genetics (formerly Invitae), Labcorp); PubMed 23975875 (cited by Labcorp Genetics (formerly Invitae), Labcorp); PubMed 27869827 (cited by Labcorp Genetics (formerly Invitae), Labcorp); PubMed 32964742 (cited by Labcorp Genetics (formerly Invitae), Labcorp).